The following is an entry in ClinVar:

NM_001277115.2(DNAH11):c.5633C>T (p.Thr1878Ile)

Gene: DNAH11 (dynein axonemal heavy chain 11; plus strand). Cytogenetic location: 7p15.3.
Variant type: single nucleotide variant.
Coding change: c.5633C>T on transcript NM_001277115.2 (MANE Select); coding-DNA position 5633, C replaced by T.
Protein change: p.Thr1878Ile; replaces threonine 1878 with isoleucine.
Molecular consequence: missense variant.
Genome position (GRCh38, 1-based): chr7:21,687,110, C>T. VCF-style: chr7-21687110-C-T. GRCh37 (hg19) VCF-style: chr7-21726728-C-T.
Other names: c.5654C>T, p.Thr1885Ile (NM_003777.3); short protein forms T1878I, T1885I.
Identifiers: ClinVar variation 1748770 (VCV001748770.2), dbSNP rs1449566001, ClinGen allele CA366949003.
Genomic context (GRCh38, chr7:21,687,110, plus strand): 5'-TGAAAATCTCATATTAGACTGTGATGTTTGTGTTTTCTATTGCTTAAAGGTGTTATATTA[C>T]CTTAACTCAATCACTTCATCTAACCATGAGTGGGGCTCCTGCTGGCCCAGCTGGTACCGG-3'
Protein context (NP_001264044.1, residues 1868-1888): ITPLTDRCYI[Thr1878Ile]LTQSLHLTMS

ClinVar aggregate classification (germline): Uncertain significance (1 of 4 stars; one submission).

Conditions:
Primary ciliary dyskinesia. Also called: Ciliary dyskinesia. Identifiers: Orphanet 244, MedGen C0008780, MONDO:0016575, HP:0012265.

Allele frequency attached by ClinVar (database versions not stated): gnomAD exomes below 0.00001.
gnomAD v4.1: 5 of 1,612,756 alleles (0.00031%); highest among the groups gnomAD compares: Admixed American, 0.0067%; no homozygotes.

Submission:

Ambry Genetics
Classification: Uncertain significance for Primary ciliary dyskinesia. Last evaluated: 2021-10-25. Review status: criteria provided, single submitter. Criteria: Ambry Variant Classification Scheme 2023. Collection method: clinical testing. Allele origin: germline.
Comment: The p.T1878I variant (also known as c.5633C>T), located in coding exon 33 of the DNAH11 gene, results from a C to T substitution at nucleotide position 5633. The threonine at codon 1878 is replaced by isoleucine, an amino acid with similar properties. This amino acid position is conserved. In addition, the in silico prediction for this alteration is inconclusive. Since supporting evidence is limited at this time, the clinical significance of this alteration remains unclear.